The following is an entry in ClinVar:

NM_138295.5(PKD1L1):c.7879G>A (p.Val2627Ile)

Genes: PKD1L1 (polycystin 1 like 1, transient receptor potential channel interacting; minus strand), PKD1L1-AS1 (PKD1L1 antisense RNA 1; plus strand). Cytogenetic location: 7p12.3.
Variant type: single nucleotide variant.
Coding change: c.7879G>A on transcript NM_138295.5 (MANE Select); coding-DNA position 7879, G replaced by A.
Protein change: p.Val2627Ile; replaces valine 2627 with isoleucine.
Molecular consequence: missense variant.
Genome position (GRCh38, 1-based): chr7:47,803,293, C>T on the plus strand (G>A on the coding strand, the complement: PKD1L1 is on the minus strand). VCF-style: chr7-47803293-C-T. GRCh37 (hg19) VCF-style: chr7-47842891-C-T.
Other names: short protein forms V2627I.
Identifiers: ClinVar variation 3306855 (VCV003306855.2).

ClinVar aggregate classification (germline): Likely benign. Review status: criteria provided, single submitter (1 of 4 stars). 2 submissions from 2 submitters: Likely benign (1). 1 of the submissions does not count toward it. Last evaluated 2024-06-11.

Conditions:
PKD1L1-related disorder. Also called: PKD1L1-related condition.
Inborn genetic diseases. Identifiers: MedGen C0950123, MeSH D030342.

gnomAD v4.1: 58 of 1,613,962 alleles (0.0036%); highest among the groups gnomAD compares: Non-Finnish European, 0.0041%; no homozygotes.

Submissions (2):

Ambry Genetics
Classification: Likely benign for Inborn genetic diseases. Last evaluated: 2024-06-11. Review status: criteria provided, single submitter. Criteria: Ambry Variant Classification Scheme 2023. Collection method: clinical testing. Allele origin: germline.

PreventionGenetics, part of Exact Sciences
Classification: Uncertain significance for PKD1L1-related condition. Last evaluated: 2024-08-13. Review status: no assertion criteria provided. Collection method: clinical testing. Allele origin: germline. Not counted in ClinVar's aggregate classification.
Comment: The PKD1L1 c.7879G>A variant is predicted to result in the amino acid substitution p.Val2627Ile. To our knowledge, this variant has not been reported in the literature. This variant is reported in 0.0096% of alleles in individuals of Ashkenazi Jewish descent in gnomAD. At this time, the clinical significance of this variant is uncertain due to the absence of conclusive functional and genetic evidence.